The following is an entry in ClinVar:

ClinVar aggregate classification (germline): Uncertain significance (1 of 4 stars; one submission).

Conditions:
Cardiovascular phenotype. Identifiers: MedGen CN230736.

gnomAD v4.1: 3 of 1,549,048 alleles (0.00019%); highest among the groups gnomAD compares: South Asian, 0.0012%; no homozygotes.

Submission:

Ambry Genetics
Classification: Uncertain significance for Cardiovascular phenotype. Last evaluated: 2021-06-11. Review status: criteria provided, single submitter. Criteria: Ambry Variant Classification Scheme 2023. Collection method: clinical testing. Allele origin: germline.
Comment: The p.G2851W variant (also known as c.8551G>T), located in coding exon 2 of the ZNF469 gene, results from a G to T substitution at nucleotide position 8551. The glycine at codon 2851 is replaced by tryptophan, an amino acid with highly dissimilar properties. This amino acid position is conserved. In addition, the in silico prediction for this alteration is inconclusive. Since supporting evidence is limited at this time, the clinical significance of this alteration remains unclear.

NM_001367624.2(ZNF469):c.8635G>T (p.Gly2879Trp)

Gene: ZNF469 (zinc finger protein 469; plus strand). Cytogenetic location: 16q24.2.
Variant type: single nucleotide variant.
Coding change: c.8635G>T on transcript NM_001367624.2 (MANE Select); coding-DNA position 8635, G replaced by T.
Protein change: p.Gly2879Trp; replaces glycine 2879 with tryptophan.
Molecular consequence: missense variant.
Genome position (GRCh38, 1-based): chr16:88,436,105, G>T. VCF-style: chr16-88436105-G-T. GRCh37 (hg19) VCF-style: chr16-88502513-G-T.
Other names: NM_001127464.1:c.8551G>T; short protein forms G2879W.
Identifiers: ClinVar variation 1763829 (VCV001763829.2), dbSNP rs1197452073, ClinGen allele CA397118931.
Genomic context (GRCh38, chr16:88,436,105, plus strand): 5'-TTCTCCCAGCTCTTCCCTCCAGGCGGTCGCTTGACTAGAAAGAGGAACCCGCATGTCTAC[G>T]GGAAGCGCTGTGAGAAGCCGGTGCTCCCGCTGCCAACCCAGCCCAGCTTTGAGGAGGGCG-3'
Protein context (NP_001354553.1, residues 2869-2889): LTRKRNPHVY[Gly2879Trp]KRCEKPVLPL